The following is an entry in ClinVar:

NM_182914.3(SYNE2):c.10431A>G (p.Glu3477=)

Gene: SYNE2 (spectrin repeat containing nuclear envelope protein 2; plus strand). Cytogenetic location: 14q23.2.
Variant type: single nucleotide variant.
Coding change: c.10431A>G on transcript NM_182914.3 (MANE Select); coding-DNA position 10431, A replaced by G.
Protein change: p.Glu3477=; no amino-acid change (glutamic acid 3477 retained).
Molecular consequence: synonymous variant.
Genome position (GRCh38, 1-based): chr14:64,065,650, A>G. VCF-style: chr14-64065650-A-G. GRCh37 (hg19) VCF-style: chr14-64532368-A-G.
Other names: c.10431A>G, p.Glu3477= (NM_015180.6).
Identifiers: ClinVar variation 2827911 (VCV002827911.3), dbSNP rs2548447597, ClinGen allele CA486709968.

ClinVar aggregate classification (germline): Uncertain significance (1 of 4 stars; one submission).

Conditions:
Emery-Dreifuss muscular dystrophy 5, autosomal dominant (EDMD5). Also called: EMERY-DREIFUSS MUSCULAR DYSTROPHY 5. Identifiers: Orphanet 261, MedGen C2751805, MONDO:0013072, OMIM 612999.

Submission:

Labcorp Genetics (formerly Invitae), Labcorp
Classification: Uncertain significance for Emery-Dreifuss muscular dystrophy 5, autosomal dominant. Last evaluated: 2023-01-12. Review status: criteria provided, single submitter. Criteria: Invitae Variant Classification Sherloc (09022015). Collection method: clinical testing. Allele origin: germline.
Comment: This sequence change affects codon 3477 of the SYNE2 mRNA. It is a 'silent' change, meaning that it does not change the encoded amino acid sequence of the SYNE2 protein. It affects a nucleotide within the consensus splice site. This variant is not present in population databases (gnomAD no frequency). This variant has not been reported in the literature in individuals affected with SYNE2-related conditions. Algorithms developed to predict the effect of sequence changes on RNA splicing suggest that this variant is not likely to affect RNA splicing. In summary, the available evidence is currently insufficient to determine the role of this variant in disease. Therefore, it has been classified as a Variant of Uncertain Significance.